The following is an entry in ClinVar:

NM_021969.3(NR0B2):c.265C>T (p.Gln89Ter)

Genes: NR0B2 (nuclear receptor subfamily 0 group B member 2; minus strand), NUDC (nuclear distribution C, dynein complex regulator; plus strand). Cytogenetic location: 1p36.11.
Variant type: single nucleotide variant.
Coding change: c.265C>T on transcript NM_021969.3 (MANE Select); coding-DNA position 265, C replaced by T.
Protein change: p.Gln89Ter; replaces glutamine 89 with a stop codon.
Molecular consequence: nonsense.
Genome position (GRCh38, 1-based): chr1:26,913,676, G>A on the plus strand (C>T on the coding strand, the complement: NR0B2 is on the minus strand). VCF-style: chr1-26913676-G-A. GRCh37 (hg19) VCF-style: chr1-27240167-G-A.
Other names: short protein forms Q89*.
Identifiers: ClinVar variation 2634784 (VCV002634784.4), dbSNP rs150160927, ClinGen allele CA709686.
Genomic context (GRCh38, chr1:26,913,676, plus strand): 5'-CCTCAAAGGTCACAGCATCTTGGGCCAACCCAAGCAGGAAGAGGGGGCCCCAGCAACCCT[G>A]CAGCAGCCGCCGCTGGTCCTGGGGAGGCAGCTGCCAGAAGGATGGCAGGTTCCTGAGGAA-3'

ClinVar aggregate classification (germline): Likely pathogenic. Review status: criteria provided, single submitter (1 of 4 stars). 2 submissions from 2 submitters: Likely pathogenic (1). 1 of the submissions does not count toward it. Last evaluated 2025-01-21.

Conditions:
NR0B2-related disorder. Also called: NR0B2-related condition.
Inherited obesity. Also called: Monogenic Obesity. Identifiers: Orphanet 77828, MedGen C4054476, MONDO:0019182, OMIM 601665.

Allele frequency attached by ClinVar (database versions not stated): gnomAD 0.00003; gnomAD exomes 0.00003; TOPMed 0.00003; ExAC 0.00005; 1000 Genomes Project 30x 0.00016; 1000 Genomes Project 0.00020.
gnomAD v4.1: 44 of 1,613,170 alleles (0.0027%); highest among the groups gnomAD compares: Middle Eastern, 0.12%; no homozygotes.

Submissions (2):

First Genomix Gene Laboratory, Genetic Diagnostics Department
Classification: Likely pathogenic for Inherited obesity. Last evaluated: 2025-01-21. Review status: criteria provided, single submitter. Criteria: ACMG Guidelines, 2015. Collection method: clinical testing. Allele origin: germline. Inheritance: Autosomal recessive inheritance. Affected: no. Observed: 1 variant allele.

PreventionGenetics, part of Exact Sciences
Classification: Uncertain significance for NR0B2-related condition. Last evaluated: 2024-03-22. Review status: no assertion criteria provided. Collection method: clinical testing. Allele origin: germline. Not counted in ClinVar's aggregate classification.
Comment: The NR0B2 c.265C>T variant is predicted to result in premature protein termination (p.Gln89*). This variant was reported in the heterozygous state in an individual with lipedema (Michelini et al. 2022. PubMed ID: 35207755). In vitro functional analysis indicated that this variant results in a null allele (Nishizawa et al. 2002. PubMed ID: 11696534). This variant is reported in 0.034% of alleles in individuals of "Other" descent in gnomAD. Heterozygous chain-terminating variants have been associated with mild obesity in a small number of subjects in the literature (Nishigori et al. 2001. PubMed ID: 11136233). In contrast, genomic data from the gnomAD cohort suggests that NR0B2 is tolerant to chain-terminating variants. Therefore, although we suspect this variant may be pathogenic, at this time, the clinical significance of this variant is uncertain due to the absence of conclusive functional and genetic evidence.